The following is an entry in ClinVar:

ClinVar aggregate classification (germline): Uncertain significance. Review status: criteria provided, multiple submitters, no conflicts (2 of 4 stars). 2 submissions from 2 submitters: Uncertain significance (2). Last evaluated 2025-04-26.

Conditions:
Aortic valve disease 1 (AOVD1). Identifiers: MedGen C3887892, MONDO:0024523, OMIM 109730.
Adams-Oliver syndrome 5 (AOS5). Identifiers: Orphanet 974, MedGen C4014970, MONDO:0014459, OMIM 616028.

Submissions (2):

Labcorp Genetics (formerly Invitae), Labcorp
Classification: Uncertain significance for Adams-Oliver syndrome 5. Last evaluated: 2025-04-26. Review status: criteria provided, single submitter. Criteria: Invitae Variant Classification Sherloc (09022015). Collection method: clinical testing. Allele origin: germline.
Comment: This sequence change replaces glutamic acid, which is acidic and polar, with glutamine, which is neutral and polar, at codon 1186 of the NOTCH1 protein (p.Glu1186Gln). This variant is not present in population databases (gnomAD no frequency). This variant has not been reported in the literature in individuals affected with NOTCH1-related conditions. ClinVar contains an entry for this variant (Variation ID: 2500067). Invitae Evidence Modeling of protein sequence and biophysical properties (such as structural, functional, and spatial information, amino acid conservation, physicochemical variation, residue mobility, and thermodynamic stability) indicates that this missense variant is not expected to disrupt NOTCH1 protein function with a negative predictive value of 80%. In summary, the available evidence is currently insufficient to determine the role of this variant in disease. Therefore, it has been classified as a Variant of Uncertain Significance.

Center for Genomics, Ann and Robert H. Lurie Children's Hospital of Chicago
Classification: Uncertain significance for Adams-Oliver syndrome 5; Aortic valve disease 1. Review status: criteria provided, single submitter. Criteria: ACMG Guidelines, 2015. Collection method: clinical testing. Allele origin: germline.
Comment: This variant has not been reported in the literature and is not present in large control databases. Evolutionary conservation and computational predictive tools for this variant are unclear. In summary, data on this variant is insufficient for disease classification. Therefore, the clinical significance of this variant is uncertain

NM_017617.5(NOTCH1):c.3556G>C (p.Glu1186Gln)

Gene: NOTCH1 (notch receptor 1; minus strand). Cytogenetic location: 9q34.3.
Variant type: single nucleotide variant.
Coding change: c.3556G>C on transcript NM_017617.5 (MANE Select); coding-DNA position 3556, G replaced by C.
Protein change: p.Glu1186Gln; replaces glutamic acid 1186 with glutamine.
Molecular consequence: missense variant.
Genome position (GRCh38, 1-based): chr9:136,507,392, C>G on the plus strand (G>C on the coding strand, the complement: NOTCH1 is on the minus strand). VCF-style: chr9-136507392-C-G. GRCh37 (hg19) VCF-style: chr9-139401844-C-G.
Other names: short protein forms E1186Q.
Identifiers: ClinVar variation 2500067 (VCV002500067.3), dbSNP rs1013688544, ClinGen allele CA375549965.